The following is an entry in ClinVar:

NM_003000.3(SDHB):c.423+20T>A

Gene: SDHB (succinate dehydrogenase complex iron sulfur subunit B; minus strand). Cytogenetic location: 1p36.13.
Variant type: single nucleotide variant.
Coding change: c.423+20T>A on transcript NM_003000.3 (MANE Select); 20 bases into the intron after coding-DNA position 423, T replaced by A.
Molecular consequence: intron variant.
Genome position (GRCh38, 1-based): chr1:17,028,580, A>T on the plus strand (T>A on the coding strand, the complement: SDHB is on the minus strand). VCF-style: chr1-17028580-A-T. GRCh37 (hg19) VCF-style: chr1-17355075-A-T.
Identifiers: ClinVar variation 36769 (VCV000036769.64), dbSNP rs190139590, ClinGen allele CA015870.

ClinVar aggregate classification (germline): Conflicting classifications of pathogenicity. Review status: criteria provided, conflicting classifications (1 of 4 stars). 19 submissions from 19 submitters: Uncertain significance (1); Benign (7); Likely benign (7). 4 of the submissions do not count toward it. Last evaluated 2026-08-01.

Conditions:
Hereditary cancer-predisposing syndrome. Also called: Neoplastic Syndromes, Hereditary; Hereditary neoplastic syndrome; Hereditary Cancer Syndrome; Tumor predisposition. Identifiers: Orphanet 140162, MedGen C0027672, MeSH D009386, MONDO:0015356.
Pheochromocytoma. Also called: MAX-Related Hereditary Paraganglioma-Pheochromocytoma Syndrome. Identifiers: Orphanet 29072, MedGen C0031511, MONDO:0008233, OMIM 171300, HP:0002666.
Pheochromocytoma/paraganglioma syndrome 4. Also called: Paragangliomas 4; SDHB-Related Hereditary Paraganglioma-Pheochromocytoma Syndrome (Paragangliomas 4); SDHB-Related Hereditary Paraganglioma-Pheochromocytoma Syndrome; CAROTID BODY TUMORS AND MULTIPLE EXTRAADRENAL PHEOCHROMOCYTOMAS; PARAGANGLIOMA, FAMILIAL MALIGNANT; PARAGANGLIOMAS, HEREDITARY EXTRAADRENAL. Identifiers: Orphanet 29072, MedGen C1861848, MONDO:0007273, OMIM 115310.
Gastrointestinal stromal tumor. Also called: Gastrointestinal stromal tumor, somatic; Gastrointestinal stroma tumor. Identifiers: Orphanet 44890, MedGen C0238198, MeSH D046152, MONDO:0011719, OMIM 606764, HP:0100723.

Allele frequency attached by ClinVar (database versions not stated): TOPMed 0.00174; ExAC 0.00308; gnomAD 0.00179 and 0.00192; ESP Exome Variant Server 0.00215; 1000 Genomes Project 30x 0.00094; 1000 Genomes Project 0.00120.
gnomAD v4.1: 5,144 of 1,613,868 alleles (0.32%); highest among the groups gnomAD compares: South Asian, 0.99%; 30 homozygotes.

Submissions (19):

CeGaT Center for Human Genetics Tuebingen
Classification: Likely benign. Last evaluated: 2026-08-01. Review status: criteria provided, single submitter. Criteria: CeGaT Center For Human Genetics Tuebingen Variant Classification Criteria Version 2. Collection method: clinical testing. Allele origin: germline. Affected: yes. Observed: 56 variant alleles.
Comment: SDHB: BS2

Ambry Genetics
Classification: Benign for Hereditary cancer-predisposing syndrome. Last evaluated: 2026-02-27. Review status: criteria provided, single submitter. Criteria: Ambry Variant Classification Scheme 2023. Collection method: clinical testing. Allele origin: germline.

Labcorp Genetics (formerly Invitae), Labcorp
Classification: Benign for Gastrointestinal stromal tumor; Pheochromocytoma/paraganglioma syndrome 4; Pheochromocytoma. Last evaluated: 2026-02-04. Review status: criteria provided, single submitter. Criteria: Invitae Variant Classification Sherloc (09022015). Collection method: clinical testing. Allele origin: germline.

Quest Diagnostics Nichols Institute San Juan Capistrano
Classification: Benign. Last evaluated: 2025-10-13. Review status: criteria provided, single submitter. Criteria: Quest Diagnostics criteria. Collection method: clinical testing. Allele origin: unknown.

Center for Genomic Medicine, Rigshospitalet, Copenhagen University Hospital
Classification: Likely benign. Last evaluated: 2025-03-04. Review status: criteria provided, single submitter. Criteria: ACMG Guidelines, 2015. Collection method: clinical testing. Allele origin: germline.

Blueprint Genetics
Classification: Likely benign. Last evaluated: 2024-11-25. Review status: criteria provided, single submitter. Criteria: ACMG Guidelines, 2015. Collection method: clinical testing. Allele origin: germline.

ARUP Laboratories, Molecular Genetics and Genomics, ARUP Laboratories
Classification: Benign. Last evaluated: 2024-07-26. Review status: criteria provided, single submitter. Criteria: ARUP Molecular Germline Variant Investigation Process 2024. Collection method: clinical testing. Allele origin: germline.

Sema4
Classification: Benign for Hereditary cancer-predisposing syndrome. Last evaluated: 2020-05-29. Review status: criteria provided, single submitter. Criteria: Sema4 Curation Guidelines. Collection method: curation. Allele origin: germline.

Mendelics
Classification: Likely benign for Gastrointestinal stromal tumor. Last evaluated: 2019-05-28. Review status: criteria provided, single submitter. Criteria: Mendelics Assertion Criteria 2017. Collection method: clinical testing. Allele origin: unknown.

Equipe Genetique des Anomalies du Developpement, Université de Bourgogne
Classification: Uncertain significance for Pheochromocytoma/paraganglioma syndrome 4. Last evaluated: 2018-11-21. Review status: criteria provided, single submitter. Criteria: ACMG Guidelines, 2015. Collection method: clinical testing. Allele origin: unknown.

Center for Pediatric Genomic Medicine, Children's Mercy Hospital and Clinics
Classification: Likely benign. Last evaluated: 2017-07-07. Review status: criteria provided, single submitter. Criteria: ACMG Guidelines, 2015. Collection method: clinical testing. Allele origin: germline.

GeneDx
Classification: Likely benign. Last evaluated: 2017-06-29. Review status: criteria provided, single submitter. Criteria: GeneDx Variant Classification (06012015). Collection method: clinical testing. Allele origin: germline. Affected: yes.
Comment: This variant is considered likely benign or benign based on one or more of the following criteria: it is a conservative change, it occurs at a poorly conserved position in the protein, it is predicted to be benign by multiple in silico algorithms, and/or has population frequency not consistent with disease.

Women's Health and Genetics/Laboratory Corporation of America, LabCorp
Classification: Benign. Last evaluated: 2017-06-22. Review status: criteria provided, single submitter. Criteria: LabCorp Variant Classification Summary - May 2015. Collection method: clinical testing. Allele origin: germline.
Comment: Variant summary: The SDHB c.423+20T>A variant involves the alteration of a non-conserved intronic nucleotide. One in silico tool predicts a benign outcome for this variant. 5/5 splice prediction tools predict no significant impact on normal splicing and 4/5 splice prediction tools predict changes of a cryptic splicing site. ESEfinder predicts changes of RNA splicing enhancer sites. However, these predictions have yet to be confirmed by functional studies. This variant was found in 374/121320 control chromosomes (4 homozygotes) at a frequency of 0.0030828, which is approximately 3523 times the estimated maximal expected allele frequency of a pathogenic SDHB variant (0.0000009), suggesting this variant is likely a benign polymorphism. This variant has been reported in the affected individuals without strong evidence for causality. In addition, multiple clinical diagnostic laboratories/reputable databases classified this variant as benign/likely benign. Taken together, this variant is classified as benign.

Laboratory for Molecular Medicine, Mass General Brigham Personalized Medicine
Classification: Likely benign. Last evaluated: 2017-02-13. Review status: criteria provided, single submitter. Criteria: LMM Criteria. Collection method: clinical testing. Allele origin: germline.
Comment: Variant identified in a genome or exome case(s) and assessed due to predicted null impact of the variant or pathogenic assertions in the literature or databases. Disclaimer: This variant has not undergone full assessment. The following are preliminary notes: This variant has been classified in HGMD as DM. It has been seen in 2 patients with pheochromocytomas and one with GIST. It is present with a MaxMAF of 0.89% in ExAC (high for disease frequency - 0.8/100,000 person-years). It is classified in ClinVar with 1 star as benign/likely benign by Invitae, GeneDx, Prevention genetics and as likely path by LabCorp (in 2011).

PreventionGenetics, part of Exact Sciences
Classification: Benign. Review status: criteria provided, single submitter. Criteria: ACMG Guidelines, 2015. Collection method: clinical testing. Allele origin: germline.

Department of Pathology and Laboratory Medicine, Sinai Health System
Classification: Likely benign. Review status: no assertion criteria provided. Collection method: clinical testing. Allele origin: unknown. Affected: yes. Study: The Canadian Open Genetics Repository (COGR). Not counted in ClinVar's aggregate classification.
Comment: The SDHB c.423+20T>A variant was identified in the in heterozygous state in the tumour of one patient with pheochromocytoma (Pantaleo_2014_23612575) and in the tumours of two patients with Carney Triad (association of paragangliomas, pulmonary chondromas, and gastrointestinal stromal tumors with variety of other lesions including pheochromocytomas and adrenocortical tumors) who were also found to have SDHD c.388insG variants (Szarek_2015_25808178). The variant was also identified in dbSNP (ID: rs190139590) as â€šÃ„ÃºWith Likely pathogenic alleleâ€šÃ„Ã¹. The variant was found in ClinVar with conflicting interpretations of pathogenicity as it was classified as likely benign by Children's Mercy Hospital and Clinics, GeneDx, and Laboratory for Molecular Medicine at Partners HealthCare Personalized Medicine, benign by Prevention Genetics and Invitae, but was classified as likely pathogenic by Integrated Genetics/Laboratory Corporation of America. The variant was found in LOVD 3.0 where it was reported as likely benign. The variant was not identified in Cosmic or MutDB. The variant was identified in control databases in 847 of 282734 chromosomes (8 homozygous) at a frequency of 0.002996 increasing the likelihood this could be a low frequency benign variant (Genome Aggregation Database Feb 27, 2017). The variant was observed in the following populations: South Asian in 295 of 30614 chromosomes (freq: 0.009636), Ashkenazi Jewish in 69 of 10370 chromosomes (freq: 0.006654), Other in 28 of 7224 chromosomes (freq: 0.003876), European (Non-Finnish) in 370 of 129148 chromosomes (freq: 0.002865), Latino in 71 of 35438 chromosomes (freq: 0.002003), European (Finnish) in 10 of 25020 chromosomes (freq: 0.0004), African in 3 of 24966 chromosomes (freq: 0.00012) and East African in 1 of 19954 chromosomes (freq: 0.00005). Pathogenic variants in SDHB have been associated with Cowden Syndrome, an autosomal dominant condition with an estimated prevalence of 1 in 200 000 and Paragangliomas, an autosomal dominant condition with an estimated prevalence of 1 in 1 000 000. The observed allele frequency is therefore higher than would be expected for the disorder. Three in silico splicing programs (SpliceSiteFinder-like, MaxEntScan, NNSPLICE) predict a greater than 10% change in splicing which would lead to the creation of a new 3' splice site, however MutationTaster predicts that this variant is a polymorphism. This information is not very predictive of pathogenicity. In summary, based on the above information the clinical significance of this variant cannot be determined with certainty at this time although we would lean towards a more benign role for this variant. This variant is classified as likely benign. References: Pantaleo, Maria A., et al. "Analysis of all subunits, SDHA, SDHB, SDHC, SDHD, of the succinate dehydrogenase complex in KIT/PDGFRA wild-type GIST." European Journal of Human Genetics 22.1 (2014): 32. Szarek, Eva, et al. "Carney triad, SDH-deficient tumors, and Sdhb+/â€šÃ Ã­ mice share abnormal mitochondria." Endocrine-related cancer 22.3 (2015): 345-352.

Genome Diagnostics Laboratory, Amsterdam University Medical Center
Classification: Likely benign. Review status: no assertion criteria provided. Collection method: clinical testing. Allele origin: germline. Affected: yes. Study: VKGL Data-share Consensus. Not counted in ClinVar's aggregate classification.

Genome Diagnostics Laboratory, University Medical Center Utrecht
Classification: Likely benign. Review status: no assertion criteria provided. Collection method: clinical testing. Allele origin: germline. Affected: yes. Study: VKGL Data-share Consensus. Not counted in ClinVar's aggregate classification.

Joint Genome Diagnostic Labs from Nijmegen and Maastricht, Radboudumc and MUMC+
Classification: Likely benign. Review status: no assertion criteria provided. Collection method: clinical testing. Allele origin: germline. Affected: yes. Study: VKGL Data-share Consensus. Not counted in ClinVar's aggregate classification.

Literature cited by the submitters: PubMed 23612575 (cited by Ambry Genetics); PubMed 18419787 (cited by Women's Health and Genetics/Laboratory Corporation of America, LabCorp).